The following is an entry in ClinVar:

ClinVar aggregate classification (germline): Likely benign. Review status: criteria provided, single submitter (1 of 4 stars). 2 submissions from 2 submitters: Likely benign (1). 1 of the submissions does not count toward it. Last evaluated 2026-06-01.

Conditions:
CAPN15-related disorder. Also called: CAPN15-related condition.

Allele frequency attached by ClinVar (database versions not stated): 1000 Genomes Project 30x 0.00031; gnomAD exomes 0.00037; ExAC 0.00137.
gnomAD v4.1: 614 of 1,590,940 alleles (0.039%); highest among the groups gnomAD compares: South Asian, 0.27%; 1 homozygote.

Submissions (2):

CeGaT Center for Human Genetics Tuebingen
Classification: Likely benign. Last evaluated: 2026-06-01. Review status: criteria provided, single submitter. Criteria: CeGaT Center For Human Genetics Tuebingen Variant Classification Criteria Version 2. Collection method: clinical testing. Allele origin: germline. Affected: yes. Observed: 4 variant alleles.
Comment: CAPN15: BP4, BP7

PreventionGenetics, part of Exact Sciences
Classification: Likely benign for CAPN15-related condition. Last evaluated: 2019-07-02. Review status: no assertion criteria provided. Collection method: clinical testing. Allele origin: germline. Not counted in ClinVar's aggregate classification.
Comment: This variant is classified as likely benign based on ACMG/AMP sequence variant interpretation guidelines (Richards et al. 2015 PMID: 25741868, with internal and published modifications).

NM_005632.3(CAPN15):c.615C>T (p.Pro205=)

Gene: CAPN15 (calpain 15; plus strand). Cytogenetic location: 16p13.3.
Variant type: single nucleotide variant.
Coding change: c.615C>T on transcript NM_005632.3 (MANE Select); coding-DNA position 615, C replaced by T.
Protein change: p.Pro205=; no amino-acid change (proline 205 retained).
Molecular consequence: synonymous variant.
Genome position (GRCh38, 1-based): chr16:547,453, C>T. VCF-style: chr16-547453-C-T. GRCh37 (hg19) VCF-style: chr16-597453-C-T.
Other names: c.615C>T (NM_005632.2).
Identifiers: ClinVar variation 2645798 (VCV002645798.25), dbSNP rs141612773, ClinGen allele CA7778125.
Genomic context (GRCh38, chr16:547,453, plus strand): 5'-GGAAGTGGTGGCCCCGGCCGGCTTCCACGTCGTGCCTGCCGCGCCTCCACCTGGCCTCCC[C>T]GGGGAAGGTGCCGAGGCCAACCCCCCAGCCACCAGCCAGGGCCCAGCTGCCGAACCAGAG-3'
Protein context (NP_005623.1, residues 195-215): VVPAAPPPGL[Pro205=]GEGAEANPPA